The following is an entry in ClinVar:

ClinVar aggregate classification (germline): Pathogenic. Review status: criteria provided, single submitter (1 of 4 stars). 2 submissions from 1 submitter: Pathogenic (2). Last evaluated 2017-11-01.

Conditions:
Ehlers-Danlos syndrome, classic type (cEDS). Identifiers: Orphanet 287, MedGen C4225429, MONDO:0007522.
Ehlers-Danlos syndrome, classic type, 1 (EDSCL1). Also called: Ehlers-Danlos Syndrome, Classic Type, COL5A1-Related; EDS I; Ehlers-Danlos syndrome, type 1; EHLERS-DANLOS SYNDROME, GRAVIS TYPE; EHLERS-DANLOS SYNDROME, SEVERE CLASSIC TYPE. Identifiers: MedGen C0268335, MONDO:0019567, OMIM 130000.

Submissions (2):

Labcorp Genetics (formerly Invitae), Labcorp
Classification: Pathogenic for Ehlers-Danlos syndrome, classic type, 1. Last evaluated: 2017-11-01. Review status: criteria provided, single submitter. Criteria: Invitae Variant Classification Sherloc (09022015). Collection method: clinical testing. Allele origin: germline.
Comment: This variant is a gross deletion of the genomic region encompassing part of exon 13 and exon 14 of the COL5A1 gene, including the exon 13-intron 13 boundary (c.1630_1720-281del). This likely creates a premature translational stop signal and is expected to result in an absent or disrupted protein product. This variant has not been reported in the literature in individuals with COL5A1-related disease. For these reasons, this variant has been classified as Pathogenic.

Labcorp Genetics (formerly Invitae), Labcorp
Classification: Pathogenic for Ehlers-Danlos syndrome, classic type, 1. Last evaluated: 2017-10-03. Review status: criteria provided, single submitter. Criteria: Invitae Variant Classification Sherloc (09022015). Collection method: clinical testing. Allele origin: germline.
Comment: For these reasons, this variant has been classified as Pathogenic. This variant has not been reported in the literature in individuals with COL5A1-related disease. This variant is a gross deletion of the genomic region encompassing part of exon 13 and exon 14 of the COL5A1 gene, including the exon 13-intron 13 boundary (c.1630_1720-281del). This likely creates a premature translational stop signal and is expected to result in an absent or disrupted protein product.

NC_000009.12:g.(?_134752569)_(134752665_?)del

Gene: COL5A1 (collagen type V alpha 1 chain; plus strand). Cytogenetic location: 9q34.3.
Variant type: Deletion.
Identifiers: ClinVar variation 529307 (VCV000529307.9).